The following is an entry in ClinVar:

NM_078470.6(COX15):c.50A>G (p.Tyr17Cys)

Genes: COX15 (cytochrome c oxidase assembly factor COX15; minus strand), LOC130004506 (ATAC-STARR-seq lymphoblastoid active region 3872; plus strand). Cytogenetic location: 10q24.2.
Variant type: single nucleotide variant.
Coding change: c.50A>G on transcript NM_078470.6 (MANE Select); coding-DNA position 50, A replaced by G.
Protein change: p.Tyr17Cys; replaces tyrosine 17 with cysteine.
Molecular consequence: missense variant. On other transcripts: 5 prime UTR variant (1), non-coding transcript variant (1).
Genome position (GRCh38, 1-based): chr10:99,732,000, T>C on the plus strand (A>G on the coding strand, the complement: COX15 is on the minus strand). VCF-style: chr10-99732000-T-C. GRCh37 (hg19) VCF-style: chr10-101491757-T-C.
Other names: c.50A>G, p.Tyr17Cys (NM_001320974.2, NM_001320975.2, NM_001372024.1 and 5 more transcripts); c.-405A>G (NM_001320976.2); short protein forms Y17C.
Identifiers: ClinVar variation 1986458 (VCV001986458.3), dbSNP rs761365669, ClinGen allele CA5642389.

ClinVar aggregate classification (germline): Conflicting classifications of pathogenicity. Review status: criteria provided, conflicting classifications (1 of 4 stars). 3 submissions from 3 submitters: Uncertain significance (1); Likely benign (2). Last evaluated 2024-11-23.

Conditions:
Inborn genetic diseases. Identifiers: MedGen C0950123, MeSH D030342.

Allele frequency attached by ClinVar (database versions not stated): TOPMed 0.00001; ExAC 0.00033.
gnomAD v4.1: 132 of 1,613,068 alleles (0.0082%); highest among the groups gnomAD compares: Non-Finnish European, 0.0092%; 2 homozygotes.

Submissions (3):

Blueprint Genetics
Classification: Likely benign. Last evaluated: 2024-11-23. Review status: criteria provided, single submitter. Criteria: ACMG Guidelines, 2015. Collection method: clinical testing. Allele origin: germline.

Ambry Genetics
Classification: Likely benign for Inborn genetic diseases. Last evaluated: 2022-03-23. Review status: criteria provided, single submitter. Criteria: Ambry Variant Classification Scheme 2023. Collection method: clinical testing. Allele origin: germline.

Labcorp Genetics (formerly Invitae), Labcorp
Classification: Uncertain significance. Last evaluated: 2022-03-05. Review status: criteria provided, single submitter. Criteria: Invitae Variant Classification Sherloc (09022015). Collection method: clinical testing. Allele origin: germline.
Comment: This sequence change replaces tyrosine, which is neutral and polar, with cysteine, which is neutral and slightly polar, at codon 17 of the COX15 protein (p.Tyr17Cys). This variant is present in population databases (rs761365669, gnomAD 0.03%). This variant has not been reported in the literature in individuals affected with COX15-related conditions. Algorithms developed to predict the effect of missense changes on protein structure and function output the following: SIFT: "Not Available"; PolyPhen-2: "Benign"; Align-GVGD: "Not Available". The cysteine amino acid residue is found in multiple mammalian species, which suggests that this missense change does not adversely affect protein function. In summary, the available evidence is currently insufficient to determine the role of this variant in disease. Therefore, it has been classified as a Variant of Uncertain Significance.